The following is an entry in ClinVar:

NM_001035.3(RYR2):c.14809-1G>A

Gene: RYR2 (ryanodine receptor 2; plus strand). Cytogenetic location: 1q43.
Variant type: single nucleotide variant.
Coding change: c.14809-1G>A on transcript NM_001035.3 (MANE Select); the canonical splice acceptor site of the intron before coding-DNA position 14809, G replaced by A.
Molecular consequence: splice acceptor variant.
Genome position (GRCh38, 1-based): chr1:237,832,551, G>A. VCF-style: chr1-237832551-G-A. GRCh37 (hg19) VCF-style: chr1-237995851-G-A.
Identifiers: ClinVar variation 1439641 (VCV001439641.7), dbSNP rs2102967720, ClinGen allele CA068719.
Genomic context (GRCh38, chr1:237,832,551, plus strand): 5'-CTTATGTTTTGTTAGCACACACTTTGGGGAAAATGTTAATACATTTCCTTGACTTTTGCA[G>A]GAATCTTATGTCTGGAAGATGTATCAAGAAAGGTGTTGGGAATTTTTCCCAGCAGGGGAT-3'

ClinVar aggregate classification (germline): Uncertain significance (1 of 4 stars; one submission).

Conditions:
Catecholaminergic polymorphic ventricular tachycardia 1. Also called: VENTRICULAR TACHYCARDIA, CATECHOLAMINERGIC POLYMORPHIC, 1, WITH OR WITHOUT ATRIAL DYSFUNCTION AND/OR DILATED CARDIOMYOPATHY; RYR2-Related Catecholaminergic Polymorphic Ventricular Tachycardia; VENTRICULAR TACHYCARDIA, STRESS-INDUCED POLYMORPHIC 1. Identifiers: Orphanet 3286, MedGen C1631597, MONDO:0011484, OMIM 604772.

Submission:

Labcorp Genetics (formerly Invitae), Labcorp
Classification: Uncertain significance for Catecholaminergic polymorphic ventricular tachycardia 1. Last evaluated: 2021-09-24. Review status: criteria provided, single submitter. Criteria: Invitae Variant Classification Sherloc (09022015). Collection method: clinical testing. Allele origin: germline.
Comment: This sequence change falls in intron 104 of the RYR2 gene. It does not directly change the encoded amino acid sequence of the RYR2 protein. It affects a nucleotide within the consensus splice site of the intron. This variant is not present in population databases (ExAC no frequency). This variant has not been reported in the literature in individuals affected with RYR2-related conditions. Variants that disrupt the consensus splice site are a relatively common cause of aberrant splicing (PMID: 17576681, 9536098). Algorithms developed to predict the effect of sequence changes on RNA splicing suggest that this variant may disrupt the consensus splice site. In summary, the available evidence is currently insufficient to determine the role of this variant in disease. Therefore, it has been classified as a Variant of Uncertain Significance.

Literature cited by the submitters: PubMed 17576681; PubMed 9536098.